The following is an entry in ClinVar:

ClinVar aggregate classification (germline): Conflicting classifications of pathogenicity. Review status: criteria provided, conflicting classifications (1 of 4 stars). 6 submissions from 6 submitters: Uncertain significance (5); Likely benign (1). Last evaluated 2026-01-21.

Conditions:
TTN-related disorder. Also called: TTN-related condition; TTN-related disease; TTN-related disorders.

Allele frequency attached by ClinVar (database versions not stated): gnomAD 0.00001; TOPMed 0.00003; ESP Exome Variant Server 0.00008.
gnomAD v4.1: 16 of 1,612,464 alleles (0.00099%); highest among the groups gnomAD compares: South Asian, 0.0044%; no homozygotes.

Submissions (6):

PreventionGenetics, part of Exact Sciences
Classification: Uncertain significance for TTN-related condition. Last evaluated: 2026-01-21. Review status: criteria provided, single submitter. Criteria: ACMG Guidelines, 2015. Collection method: clinical testing. Allele origin: germline.
Comment: The TTN c.11311+2680C>T variant is predicted to interfere with splicing. This variant is also referred to as c.11956C>T (p.Arg3986Cys) in the Novex-3 transcript NM_133379. This variant is located in exon 46 of the Novex-3 transcript (minor small cardiac isoform) which is the last exon of this transcript. This exon is not included in any other TTN transcripts (principle cardiac or skeletal muscle isoforms). To our knowledge, this variant has not been reported in the literature in individuals with TTN-related disorders. This variant is reported in 0.0065% of alleles in individuals of South Asian descent in gnomAD. At this time, the clinical significance of this variant is uncertain due to the absence of conclusive functional and genetic evidence.

CeGaT Center for Human Genetics Tuebingen
Classification: Uncertain significance. Last evaluated: 2026-01-01. Review status: criteria provided, single submitter. Criteria: CeGaT Center For Human Genetics Tuebingen Variant Classification Criteria Version 2. Collection method: clinical testing. Allele origin: germline. Affected: yes. Observed: 1 variant allele.
Comment: TTN: PM2:Supporting, BP4

Blueprint Genetics
Classification: Likely benign. Last evaluated: 2023-10-06. Review status: criteria provided, single submitter. Criteria: ACMG Guidelines, 2015. Collection method: clinical testing. Allele origin: germline.

GeneDx
Classification: Uncertain significance. Last evaluated: 2019-04-22. Review status: criteria provided, single submitter. Criteria: GeneDx Variant Classification Process June 2021. Collection method: clinical testing. Allele origin: germline. Affected: yes.
Comment: Not observed at a significant frequency in large population cohorts (Lek et al., 2016); Missense variant in a gene in which most reported pathogenic variants are truncating/loss-of-function; This variant is associated with the following publications: (PMID: 23861362)

Laboratory for Molecular Medicine, Mass General Brigham Personalized Medicine
Classification: Uncertain significance. Last evaluated: 2015-12-04. Review status: criteria provided, single submitter. Criteria: LMM Criteria. Collection method: clinical testing. Allele origin: germline. Observed: 1 variant allele.
Comment: The p.Arg3986Cys variant in TTN has not been previously reported in individuals with cardiomyopathy, but has been identified in 3/66450 European chromosomes by the Exome Aggregation Consortium (ExAC; dbSNP rs 200935937). Computational prediction tools and conservation analysis are limited or unavailable for this variant. In summary, the clinical significance of the p .Arg3986Cys variant is uncertain.

Biesecker Lab/Clinical Genomics Section, National Institutes of Health
Classification: Uncertain significance. Last evaluated: 2013-06-24. Review status: criteria provided, single submitter. Criteria: Ng et al. (Circ Cardiovasc Genet. 2013). Collection method: research. Allele origin: unknown. Observed: 1 variant allele. Study: ClinSeq.
Comment: The study set was not selected for affection status in relation to any cancer. Pathogenicity categories were based on literature curation. See Pubmed ID:23861362 for details.

Medical sequencing

NM_133379.5(TTN):c.11956C>T (p.Arg3986Cys)

Gene: TTN (titin; minus strand). Cytogenetic location: 2q31.2.
Variant type: single nucleotide variant.
Coding change: c.11956C>T on transcript NM_133379.5; coding-DNA position 11956, C replaced by T.
Protein change: p.Arg3986Cys; replaces arginine 3986 with cysteine.
Molecular consequence: missense variant. On other transcripts: intron variant (6).
Genome position (GRCh38, 1-based): chr2:178,750,444, G>A on the plus strand (C>T on the coding strand, the complement: TTN is on the minus strand). VCF-style: chr2-178750444-G-A. GRCh37 (hg19) VCF-style: chr2-179615171-G-A.
Other names: c.10360+2680C>T (NM_133378.4, NM_001256850.1); c.10222+2680C>T (NM_003319.4); c.10798+2680C>T (NM_133437.4); c.10597+2680C>T (NM_133432.3); c.11311+2680C>T (NM_001267550.2); short protein forms R3986C.
Identifiers: ClinVar variation 192057 (VCV000192057.13), dbSNP rs200935937, ClinGen allele CA238205.